The following is an entry in ClinVar:

NM_022489.4(INF2):c.-10G>A

Gene: INF2 (inverted formin 2; plus strand). Cytogenetic location: 14q32.33.
Variant type: single nucleotide variant.
Coding change: c.-10G>A on transcript NM_022489.4 (MANE Select); 10 bases upstream of the start codon, G replaced by A.
Molecular consequence: 5 prime UTR variant.
Genome position (GRCh38, 1-based): chr14:104,689,739, G>A. VCF-style: chr14-104689739-G-A. GRCh37 (hg19) VCF-style: chr14-105156076-G-A.
Other names: NC_000014.8:g.105156076G>A; c.-10G>A (NM_001031714.4, NM_032714.3).
Identifiers: ClinVar variation 312675 (VCV000312675.11), dbSNP rs115602636, ClinGen allele CA10639828.
Genomic context (GRCh38, chr14:104,689,739, plus strand): 5'-CTGACCCGGCCCCGGACGGAGCGCCGGCCGCACCACCGCCCTCTGGCCGTTGCCTCACCG[G>A]GTAAGTCCTTGGCCTCGGGGTCCGCTTGGAGCTTCAGGGGAAACTGAGTCCGGGAGGAGG-3'

ClinVar aggregate classification (germline): Conflicting classifications of pathogenicity. Review status: criteria provided, conflicting classifications (1 of 4 stars). 5 submissions from 5 submitters: Uncertain significance (1); Benign (3); Likely benign (1). Last evaluated 2025-09-10.

Conditions:
Focal segmental glomerulosclerosis 5 (FSGS5). Identifiers: Orphanet 656, MedGen C2750475, MONDO:0013191, OMIM 613237.
Charcot-Marie-Tooth disease dominant intermediate E. Also called: CHARCOT-MARIE-TOOTH NEUROPATHY WITH FOCAL SEGMENTAL GLOMERULONEPHRITIS. Identifiers: Orphanet 93114, MedGen C4302667, MONDO:0013758, OMIM 614455.

Allele frequency attached by ClinVar (database versions not stated): 1000 Genomes Project 30x 0.04638; 1000 Genomes Project 0.04673; TOPMed 0.05656; gnomAD 0.05904; gnomAD exomes 0.07723.
gnomAD v4.1: 73,276 of 984,882 alleles (7.4%); highest among the groups gnomAD compares: Middle Eastern, 9.8%; 2,969 homozygotes.

Submissions (6):

Genomic Medicine Center of Excellence, King Faisal Specialist Hospital and Research Centre
Classification: Benign for Charcot-Marie-Tooth disease dominant intermediate E. Last evaluated: 2025-09-10. Review status: criteria provided, single submitter. Criteria: ACMG Guidelines, 2015. Collection method: clinical testing. Allele origin: germline.

Centre for Mendelian Genomics, University Medical Centre Ljubljana
Classification: Uncertain significance for Charcot-Marie-Tooth disease dominant intermediate E. Last evaluated: 2019-03-20. Review status: criteria provided, single submitter. Criteria: ACMG Guidelines, 2015. Collection method: clinical testing. Allele origin: unknown. Affected: yes.
Comment: This variant was classified as: Uncertain significance. The available evidence on this variant's pathogenicity is insufficient or conflicting. The following ACMG criteria were applied in classifying this variant: PP3,BP6.

Blueprint Genetics
Classification: Likely benign. Last evaluated: 2018-06-14. Review status: criteria provided, single submitter. Criteria: ACMG Guidelines, 2015. Collection method: clinical testing. Allele origin: germline.

Illumina Laboratory Services, Illumina
Classification: Benign for Focal segmental glomerulosclerosis 5. Last evaluated: 2017-04-27. Review status: criteria provided, single submitter. Criteria: ICSL Variant Classification Criteria 13 December 2019. Collection method: clinical testing. Allele origin: germline.
Comment: This variant was observed as part of a predisposition screen in an ostensibly healthy population. A literature search was performed for the gene, cDNA change, and amino acid change (where applicable). No publications were found based on this search. Allele frequency data from public databases was too high to be consistent with this variant causing disease. Therefore, this variant is classified as benign.

GeneDx
Classification: Benign. Last evaluated: 2015-12-29. Review status: criteria provided, single submitter. Criteria: GeneDx Variant Classification (06012015). Collection method: clinical testing. Allele origin: germline. Affected: yes.
Comment: This variant is considered likely benign or benign based on one or more of the following criteria: it is a conservative change, it occurs at a poorly conserved position in the protein, it is predicted to be benign by multiple in silico algorithms, and/or has population frequency not consistent with disease.

Dr. Peter K. Rogan Lab, Western University
No classification provided (evidence only). Condition: Lymphoma. Review status: no classification provided. Collection method: in vitro. Allele origin: not applicable. Functional consequence: retained intron. Not counted in ClinVar's aggregate classification.